The following is an entry in ClinVar:

NM_001349253.2(SCN11A):c.814C>A (p.Gln272Lys)

Gene: SCN11A (sodium voltage-gated channel alpha subunit 11; minus strand). Cytogenetic location: 3p22.2.
Variant type: single nucleotide variant.
Coding change: c.814C>A on transcript NM_001349253.2 (MANE Select); coding-DNA position 814, C replaced by A.
Protein change: p.Gln272Lys; replaces glutamine 272 with lysine.
Molecular consequence: missense variant.
Genome position (GRCh38, 1-based): chr3:38,921,154, G>T on the plus strand (C>A on the coding strand, the complement: SCN11A is on the minus strand). VCF-style: chr3-38921154-G-T. GRCh37 (hg19) VCF-style: chr3-38962645-G-T.
Other names: c.814C>A, p.Gln272Lys (NM_014139.3); short protein forms Q272K.
Identifiers: ClinVar variation 1051545 (VCV001051545.2), dbSNP rs748902481, ClinGen allele CA2322502.

ClinVar aggregate classification (germline): Uncertain significance. Review status: criteria provided, multiple submitters, no conflicts (2 of 4 stars). 2 submissions from 2 submitters: Uncertain significance (2). Last evaluated 2025-12-15.

Conditions:
Hereditary sensory and autonomic neuropathy type 7. Also called: HSAN VII; Neuropathy, hereditary sensory and autonomic, type VII. Identifiers: Orphanet 391397, MedGen C3809882, MONDO:0014244, OMIM 615548.
Familial episodic pain syndrome with predominantly lower limb involvement. Also called: Episodic pain syndrome, familial, 3. Identifiers: Orphanet 391384, Orphanet 391392, MedGen C3809899, MONDO:0014247, OMIM 615552.

Allele frequency attached by ClinVar (database versions not stated): ExAC 0.00001.

Submissions (2):

Women's Health and Genetics/Laboratory Corporation of America, LabCorp
Classification: Uncertain significance. Last evaluated: 2025-12-15. Review status: criteria provided, single submitter. Criteria: LabCorp Variant Classification Summary - May 2015. Collection method: clinical testing. Allele origin: germline.
Comment: Variant summary: SCN11A c.814C>A (p.Gln272Lys) results in a conservative amino acid change in the encoded protein sequence. Algorithms developed to predict the effect of missense changes on protein structure and function are either unavailable or do not agree on the potential impact of this missense change. The frequency data for this variant in gnomAD is considered unreliable, as metrics indicate poor data quality at this position. To our knowledge, no occurrence of c.814C>A in individuals affected with SCN11A-related conditions and no experimental evidence demonstrating its impact on protein function have been reported. ClinVar contains an entry for this variant (Variation ID: 1051545). Based on the evidence outlined above, the variant was classified as uncertain significance.

Labcorp Genetics (formerly Invitae), Labcorp
Classification: Uncertain significance for Familial episodic pain syndrome with predominantly lower limb involvement; Hereditary sensory and autonomic neuropathy type 7. Last evaluated: 2020-08-01. Review status: criteria provided, single submitter. Criteria: Invitae Variant Classification Sherloc (09022015). Collection method: clinical testing. Allele origin: germline.
Comment: This sequence change replaces glutamine with lysine at codon 272 of the SCN11A protein (p.Gln272Lys). The glutamine residue is highly conserved and there is a small physicochemical difference between glutamine and lysine. The frequency data for this variant in the population databases is considered unreliable, as metrics indicate poor data quality at this position in the ExAC database. This variant has not been reported in the literature in individuals with SCN11A-related conditions. Algorithms developed to predict the effect of missense changes on protein structure and function (SIFT, PolyPhen-2, Align-GVGD) all suggest that this variant is likely to be tolerated, but these predictions have not been confirmed by published functional studies and their clinical significance is uncertain. In summary, the available evidence is currently insufficient to determine the role of this variant in disease. Therefore, it has been classified as a Variant of Uncertain Significance.